The following is an entry in ClinVar:

ClinVar aggregate classification (germline): Uncertain significance (1 of 4 stars; one submission).

Conditions:
Neurofibromatosis, type 1 (NF1). Also called: NEUROFIBROMATOSIS, TYPE I, SOMATIC; VON RECKLINGHAUSEN DISEASE; Neurofibromatosis, type I; Peripheral type neurofibromatosis. Identifiers: Orphanet 636, MedGen C0027831, MONDO:0018975, OMIM 162200. Disease mechanism: loss of function.

Submission:

Labcorp Genetics (formerly Invitae), Labcorp
Classification: Uncertain significance for Neurofibromatosis, type 1. Last evaluated: 2024-02-15. Review status: criteria provided, single submitter. Criteria: Invitae Variant Classification Sherloc (09022015). Collection method: clinical testing. Allele origin: germline.
Comment: This sequence change replaces phenylalanine, which is neutral and non-polar, with cysteine, which is neutral and slightly polar, at codon 1687 of the NF1 protein (p.Phe1687Cys). This variant is not present in population databases (gnomAD no frequency). This variant has not been reported in the literature in individuals affected with NF1-related conditions. ClinVar contains an entry for this variant (Variation ID: 643793). Advanced modeling of protein sequence and biophysical properties (such as structural, functional, and spatial information, amino acid conservation, physicochemical variation, residue mobility, and thermodynamic stability) performed at Invitae indicates that this missense variant is expected to disrupt NF1 protein function with a positive predictive value of 95%. In summary, the available evidence is currently insufficient to determine the role of this variant in disease. Therefore, it has been classified as a Variant of Uncertain Significance.

NM_001042492.3(NF1):c.5123T>G (p.Phe1708Cys)

Gene: NF1 (neurofibromin 1; plus strand). Cytogenetic location: 17q11.2.
Variant type: single nucleotide variant.
Coding change: c.5123T>G on transcript NM_001042492.3 (MANE Select); coding-DNA position 5123, T replaced by G.
Protein change: p.Phe1708Cys; replaces phenylalanine 1708 with cysteine.
Molecular consequence: missense variant.
Genome position (GRCh38, 1-based): chr17:31,326,107, T>G. VCF-style: chr17-31326107-T-G. GRCh37 (hg19) VCF-style: chr17-29653125-T-G.
Other names: c.5060T>G, p.Phe1687Cys (NM_000267.4); short protein forms F1687C, F1708C.
Identifiers: ClinVar variation 643793 (VCV000643793.3), dbSNP rs1597830056, ClinGen allele CA399007713.